The following is an entry in ClinVar:

NM_032217.5(ANKRD17):c.433C>G (p.Pro145Ala)

Gene: ANKRD17 (ankyrin repeat domain 17; minus strand). Cytogenetic location: 4q13.3.
Variant type: single nucleotide variant.
Coding change: c.433C>G on transcript NM_032217.5 (MANE Select); coding-DNA position 433, C replaced by G.
Protein change: p.Pro145Ala; replaces proline 145 with alanine.
Molecular consequence: missense variant.
Genome position (GRCh38, 1-based): chr4:73,177,494, G>C on the plus strand (C>G on the coding strand, the complement: ANKRD17 is on the minus strand). VCF-style: chr4-73177494-G-C. GRCh37 (hg19) VCF-style: chr4-74043211-G-C.
Other names: c.94C>G, p.Pro32Ala (NM_001286771.3); c.433C>G, p.Pro145Ala (NM_015574.2, NM_198889.3); short protein forms P145A, P32A.
Identifiers: ClinVar variation 3361405 (VCV003361405.1).
Genomic context (GRCh38, chr4:73,177,494, plus strand): 5'-TGAGGTCTGCACCATCAGCAGTACCTGATAAGAGCAACTTGGAAGCTGTTTCCAGCATTG[G>C]ATTTTCCAAATCATCCTGATCCAAAATGAAAGACTCCACCTATAAAACAAATGCAAAAAG-3'
Protein context (NP_115593.3, residues 135-155): FILDQDDLEN[Pro145Ala]MLETASKLLL

ClinVar aggregate classification (germline): Uncertain significance (1 of 4 stars; one submission).

Submission:

GeneDx
Classification: Uncertain significance. Last evaluated: 2023-07-26. Review status: criteria provided, single submitter. Criteria: GeneDx Variant Classification Process June 2021. Collection method: clinical testing. Allele origin: germline. Affected: yes.
Comment: Not observed at significant frequency in large population cohorts (gnomAD); In silico analysis supports that this missense variant has a deleterious effect on protein structure/function; Has not been previously published as pathogenic or benign to our knowledge